The following is an entry in ClinVar:

ClinVar aggregate classification (germline): Uncertain significance (1 of 4 stars; one submission).

Conditions:
Hereditary cancer-predisposing syndrome. Also called: Neoplastic Syndromes, Hereditary; Tumor predisposition; Hereditary Cancer Syndrome; Hereditary neoplastic syndrome. Identifiers: Orphanet 140162, MedGen C0027672, MeSH D009386, MONDO:0015356.

Submission:

Ambry Genetics
Classification: Uncertain significance for Hereditary cancer-predisposing syndrome. Last evaluated: 2022-09-16. Review status: criteria provided, single submitter. Criteria: Ambry Variant Classification Scheme 2023. Collection method: clinical testing. Allele origin: germline.
Comment: The p.L667P variant (also known as c.2000T>C), located in coding exon 13 of the CDH1 gene, results from a T to C substitution at nucleotide position 2000. The leucine at codon 667 is replaced by proline, an amino acid with similar properties. This amino acid position is conserved. In addition, this alteration is predicted to be deleterious by in silico analysis. Since supporting evidence is limited at this time, the clinical significance of this alteration remains unclear.

NM_004360.5(CDH1):c.2000T>C (p.Leu667Pro)

Gene: CDH1 (cadherin 1; plus strand). Cytogenetic location: 16q22.1.
Variant type: single nucleotide variant.
Coding change: c.2000T>C on transcript NM_004360.5 (MANE Select); coding-DNA position 2000, T replaced by C.
Protein change: p.Leu667Pro; replaces leucine 667 with proline.
Molecular consequence: missense variant.
Genome position (GRCh38, 1-based): chr16:68,823,462, T>C. VCF-style: chr16-68823462-T-C. GRCh37 (hg19) VCF-style: chr16-68857365-T-C.
Other names: c.1817T>C, p.Leu606Pro (NM_001317184.2); c.452T>C, p.Leu151Pro (NM_001317185.2); c.35T>C, p.Leu12Pro (NM_001317186.2); short protein forms L151P, L606P, L667P, L12P.
Identifiers: ClinVar variation 1784237 (VCV001784237.2), dbSNP rs2152139358, ClinGen allele CA396467637.